The following is an entry in ClinVar:

NM_003238.6(TGFB2):c.519G>T (p.Lys173Asn)

Gene: TGFB2 (transforming growth factor beta 2; plus strand). Cytogenetic location: 1q41.
Variant type: single nucleotide variant.
Coding change: c.519G>T on transcript NM_003238.6 (MANE Select); coding-DNA position 519, G replaced by T.
Protein change: p.Lys173Asn; replaces lysine 173 with asparagine.
Molecular consequence: missense variant. On other transcripts: non-coding transcript variant (2).
Genome position (GRCh38, 1-based): chr1:218,434,090, G>T. VCF-style: chr1-218434090-G-T. GRCh37 (hg19) VCF-style: chr1-218607432-G-T.
Other names: c.603G>T, p.Lys201Asn (NM_001135599.4); short protein forms K173N, K201N.
Identifiers: ClinVar variation 1326843 (VCV001326843.2), dbSNP rs769193722, ClinGen allele CA344726436.

ClinVar aggregate classification (germline): Uncertain significance (1 of 4 stars; one submission).

Submission:

GeneDx
Classification: Uncertain significance. Last evaluated: 2021-05-28. Review status: criteria provided, single submitter. Criteria: GeneDx Variant Classification Process June 2021. Collection method: clinical testing. Allele origin: germline. Affected: yes.
Comment: Has not been previously published as pathogenic or benign to our knowledge; Not observed at significant frequency in large population cohorts (Lek et al., 2016); In silico analysis supports that this missense variant does not alter protein structure/function; This variant is associated with the following publications: (PMID: 27535533)